The following is an entry in ClinVar:

NM_000166.6(GJB1):c.323T>C (p.Leu108Pro)

Gene: GJB1 (gap junction protein beta 1; plus strand). Cytogenetic location: Xq13.1.
Variant type: single nucleotide variant.
Coding change: c.323T>C on transcript NM_000166.6 (MANE Select); coding-DNA position 323, T replaced by C.
Protein change: p.Leu108Pro; replaces leucine 108 with proline.
Molecular consequence: missense variant.
Genome position (GRCh38, 1-based): chrX:71,224,030, T>C. VCF-style: chrX-71224030-T-C. GRCh37 (hg19) VCF-style: chrX-70443880-T-C.
Other names: c.323T>C, p.Leu108Pro (NM_001097642.3); short protein forms L108P.
Identifiers: ClinVar variation 637682 (VCV000637682.9), dbSNP rs1602349183, ClinGen allele CA413501920.

ClinVar aggregate classification (germline): Likely pathogenic. Review status: criteria provided, multiple submitters, no conflicts (2 of 4 stars). 3 submissions from 3 submitters: Likely pathogenic (2). 1 of the submissions does not count toward it. Last evaluated 2025-07-28.

Conditions:
Charcot-Marie-Tooth Neuropathy X. Identifiers: MedGen CN118851.
Charcot-Marie-Tooth disease. Also called: Charcot-Marie-Tooth Hereditary Neuropathy; Charcot-Marie-Tooth Neuropathy. Identifiers: Orphanet 166, MedGen C0007959, MONDO:0015626.
GJB1-related disorder. Also called: GJB1-related disorders; GJB1-related condition.

Submissions (3):

Labcorp Genetics (formerly Invitae), Labcorp
Classification: Likely pathogenic for Charcot-Marie-Tooth Neuropathy X. Last evaluated: 2025-07-28. Review status: criteria provided, single submitter. Criteria: Invitae Variant Classification Sherloc (09022015). Collection method: clinical testing. Allele origin: germline.
Comment: This sequence change replaces leucine, which is neutral and non-polar, with proline, which is neutral and non-polar, at codon 108 of the GJB1 protein (p.Leu108Pro). This variant is not present in population databases (gnomAD no frequency). This missense change has been observed in individual(s) with clinical features of Charcot-Marie-Tooth disease and/or neuropathy (PMID: 11835375, 37284795; internal data). In at least one individual the variant was observed to be de novo. ClinVar contains an entry for this variant (Variation ID: 637682). Invitae Evidence Modeling of protein sequence and biophysical properties (such as structural, functional, and spatial information, amino acid conservation, physicochemical variation, residue mobility, and thermodynamic stability) has been performed for this missense variant. However, the output from this modeling did not meet the statistical confidence thresholds required to predict the impact of this variant on GJB1 protein function. In summary, the currently available evidence indicates that the variant is pathogenic, but additional data are needed to prove that conclusively. Therefore, this variant has been classified as Likely Pathogenic.

Blueprint Genetics
Classification: Likely pathogenic for GJB1-related disorders. Last evaluated: 2019-08-09. Review status: criteria provided, single submitter. Criteria: ACMG Guidelines, 2015. Collection method: clinical testing. Allele origin: germline. Affected: yes. Observed: 1 variant allele.

Inherited Neuropathy Consortium
Classification: Uncertain significance for Charcot-Marie-Tooth disease. Review status: no assertion criteria provided. Collection method: literature only. Allele origin: germline. Affected: yes. Not counted in ClinVar's aggregate classification.

Literature cited by the submitters: PubMed 11835375 (cited by Labcorp Genetics (formerly Invitae), Labcorp and Inherited Neuropathy Consortium); PubMed 37284795 (cited by Labcorp Genetics (formerly Invitae), Labcorp).